The following is an entry in ClinVar:

NM_000089.4(COL1A2):c.3346T>C (p.Phe1116Leu)

Gene: COL1A2 (collagen type I alpha 2 chain; plus strand). Cytogenetic location: 7q21.3.
Variant type: single nucleotide variant.
Coding change: c.3346T>C on transcript NM_000089.4 (MANE Select); coding-DNA position 3346, T replaced by C.
Protein change: p.Phe1116Leu; replaces phenylalanine 1116 with leucine.
Molecular consequence: missense variant.
Genome position (GRCh38, 1-based): chr7:94,427,705, T>C. VCF-style: chr7-94427705-T-C. GRCh37 (hg19) VCF-style: chr7-94057017-T-C.
Other names: c.3346T>C (NM_000089.3); short protein forms F1116L.
Identifiers: ClinVar variation 1476909 (VCV001476909.7), dbSNP rs1368149627, ClinGen allele CA368225776.

ClinVar aggregate classification (germline): Uncertain significance. Review status: criteria provided, multiple submitters, no conflicts (2 of 4 stars). 2 submissions from 2 submitters: Uncertain significance (2). Last evaluated 2026-05-17.

Conditions:
Cardiovascular phenotype. Identifiers: MedGen CN230736.
Ehlers-Danlos syndrome, classic type, 1 (EDSCL1). Also called: EHLERS-DANLOS SYNDROME, GRAVIS TYPE; EHLERS-DANLOS SYNDROME, SEVERE CLASSIC TYPE; Ehlers-Danlos syndrome, type 1; Ehlers-Danlos Syndrome, Classic Type, COL5A1-Related; EDS I. Identifiers: MedGen C0268335, MONDO:0019567, OMIM 130000.
Osteogenesis imperfecta type I (OI1). Also called: OI, TYPE I; OSTEOGENESIS IMPERFECTA TARDA; OSTEOGENESIS IMPERFECTA WITH BLUE SCLERAE; Osteogenesis imperfecta type 1; Lobstein's Disease; Lobstein disease. Identifiers: Orphanet 216796, Orphanet 666, MedGen C0023931, MONDO:0008146, OMIM 166200. Disease mechanism: loss of function.

Allele frequency attached by ClinVar (database versions not stated): TOPMed 0.00002; gnomAD 0.00001; gnomAD exomes 0.00001.
gnomAD v4.1: 9 of 1,614,040 alleles (0.00056%); highest among the groups gnomAD compares: Admixed American, 0.0067%; no homozygotes.

Submissions (2):

Ambry Genetics
Classification: Uncertain significance for Cardiovascular phenotype. Last evaluated: 2026-05-17. Review status: criteria provided, single submitter. Criteria: Ambry Variant Classification Scheme 2023. Collection method: clinical testing. Allele origin: germline.
Comment: The p.F1116L variant (also known as c.3346T>C), located in coding exon 49 of the COL1A2 gene, results from a T to C substitution at nucleotide position 3346. The phenylalanine at codon 1116 is replaced by leucine, an amino acid with highly similar properties. This amino acid position is conserved. In addition, the in silico prediction for this alteration is inconclusive. Based on the available evidence, the clinical significance of this variant remains unclear.

Labcorp Genetics (formerly Invitae), Labcorp
Classification: Uncertain significance for Osteogenesis imperfecta type I; Ehlers-Danlos syndrome, classic type, 1. Last evaluated: 2024-10-16. Review status: criteria provided, single submitter. Criteria: Invitae Variant Classification Sherloc (09022015). Collection method: clinical testing. Allele origin: germline.
Comment: This sequence change replaces phenylalanine, which is neutral and non-polar, with leucine, which is neutral and non-polar, at codon 1116 of the COL1A2 protein (p.Phe1116Leu). This variant is present in population databases (no rsID available, gnomAD 0.003%). This variant has not been reported in the literature in individuals affected with COL1A2-related conditions. ClinVar contains an entry for this variant (Variation ID: 1476909). Invitae Evidence Modeling of protein sequence and biophysical properties (such as structural, functional, and spatial information, amino acid conservation, physicochemical variation, residue mobility, and thermodynamic stability) indicates that this missense variant is not expected to disrupt COL1A2 protein function with a negative predictive value of 95%. In summary, the available evidence is currently insufficient to determine the role of this variant in disease. Therefore, it has been classified as a Variant of Uncertain Significance.